The following is an entry in ClinVar:

NM_025216.3(WNT10A):c.1036T>C (p.Cys346Arg)

Gene: WNT10A (Wnt family member 10A; plus strand). Cytogenetic location: 2q35.
Variant type: single nucleotide variant.
Coding change: c.1036T>C on transcript NM_025216.3 (MANE Select); coding-DNA position 1036, T replaced by C.
Protein change: p.Cys346Arg; replaces cysteine 346 with arginine.
Molecular consequence: missense variant.
Genome position (GRCh38, 1-based): chr2:218,893,053, T>C. VCF-style: chr2-218893053-T-C. GRCh37 (hg19) VCF-style: chr2-219757775-T-C.
Other names: short protein forms C346R.
Identifiers: ClinVar variation 2927176 (VCV002927176.3), dbSNP rs1280777127, ClinGen allele CA350590823.

ClinVar aggregate classification (germline): Uncertain significance (1 of 4 stars; one submission).

Conditions:
Odonto-onycho-dermal dysplasia. Identifiers: Orphanet 2721, MedGen C0796093, MONDO:0009773, OMIM 257980.
Tooth agenesis, selective, 4 (STHAG4). Also called: LATERAL INCISORS, ABSENCE OF; LATERAL INCISORS, PEGGED OR MISSING; SUCCEDANEOUS TEETH, AGENESIS OF; TOOTH AGENESIS, SELECTIVE, 4, WITH OR WITHOUT ECTODERMAL DYSPLASIA. Identifiers: Orphanet 99798, MedGen C1835492, MONDO:0007881, OMIM 150400. Disease mechanism: loss of function.

gnomAD v4.1: 3 of 1,596,356 alleles (0.00019%); highest among the groups gnomAD compares: Non-Finnish European, 0.00025%; no homozygotes.

Submission:

Labcorp Genetics (formerly Invitae), Labcorp
Classification: Uncertain significance for Tooth agenesis, selective, 4; Odonto-onycho-dermal dysplasia. Last evaluated: 2025-03-06. Review status: criteria provided, single submitter. Criteria: Invitae Variant Classification Sherloc (09022015). Collection method: clinical testing. Allele origin: germline.
Comment: This sequence change replaces cysteine, which is neutral and slightly polar, with arginine, which is basic and polar, at codon 346 of the WNT10A protein (p.Cys346Arg). This variant is present in population databases (no rsID available, gnomAD 0.001%). This missense change has been observed in individual(s) with Schöpf-Schulz-Passarge syndrome (PMID: 29314690). ClinVar contains an entry for this variant (Variation ID: 2927176). Invitae Evidence Modeling of protein sequence and biophysical properties (such as structural, functional, and spatial information, amino acid conservation, physicochemical variation, residue mobility, and thermodynamic stability) indicates that this missense variant is expected to disrupt WNT10A protein function with a positive predictive value of 80%. In summary, the available evidence is currently insufficient to determine the role of this variant in disease. Therefore, it has been classified as a Variant of Uncertain Significance.

Literature cited by the submitters: PubMed 29314690.